The following is an entry in ClinVar:

ClinVar aggregate classification (germline): Uncertain significance (1 of 4 stars; one submission).

gnomAD v4.1: 15 of 1,613,128 alleles (0.00093%); highest among the groups gnomAD compares: Non-Finnish European, 0.0012%; no homozygotes.

Submission:

Labcorp Genetics (formerly Invitae), Labcorp
Classification: Uncertain significance. Last evaluated: 2025-12-22. Review status: criteria provided, single submitter. Criteria: Invitae Variant Classification Sherloc (09022015). Collection method: clinical testing. Allele origin: germline.
Comment: This sequence change replaces alanine, which is neutral and non-polar, with serine, which is neutral and polar, at codon 584 of the NEFH protein (p.Ala584Ser). This variant is present in population databases (no rsID available, gnomAD 0.0009%). This variant has not been reported in the literature in individuals affected with NEFH-related conditions. ClinVar contains an entry for this variant (Variation ID: 2876782). Invitae Evidence Modeling of protein sequence and biophysical properties (such as structural, functional, and spatial information, amino acid conservation, physicochemical variation, residue mobility, and thermodynamic stability) indicates that this missense variant is not expected to disrupt NEFH protein function with a negative predictive value of 95%. In summary, the available evidence is currently insufficient to determine the role of this variant in disease. Therefore, it has been classified as a Variant of Uncertain Significance.

NM_021076.4(NEFH):c.1750G>T (p.Ala584Ser)

Gene: NEFH (neurofilament heavy chain; plus strand). Cytogenetic location: 22q12.2.
Variant type: single nucleotide variant.
Coding change: c.1750G>T on transcript NM_021076.4 (MANE Select); coding-DNA position 1750, G replaced by T.
Protein change: p.Ala584Ser; replaces alanine 584 with serine.
Molecular consequence: missense variant.
Genome position (GRCh38, 1-based): chr22:29,489,390, G>T. VCF-style: chr22-29489390-G-T. GRCh37 (hg19) VCF-style: chr22-29885379-G-T.
Other names: short protein forms A584S.
Identifiers: ClinVar variation 2876782 (VCV002876782.3), dbSNP rs557901087, ClinGen allele CA411131680.
Genomic context (GRCh38, chr22:29,489,390, plus strand): 5'-GCCAAGTCCCCAGAGAAGGAGGAAGCAAAATCTCCAGCTGAGGTCAAGTCCCCCGAGAAG[G>T]CCAAGTCCCCAGCAAAGGAAGAGGCAAAGTCACCGGCTGAGGCCAAGTCTCCAGAGAAGG-3'
Protein context (NP_066554.2, residues 574-594): SPAEVKSPEK[Ala584Ser]KSPAKEEAKS